The following is an entry in ClinVar:

NM_002292.4(LAMB2):c.3595C>T (p.Arg1199Ter)

Gene: LAMB2 (laminin subunit beta 2; minus strand). Cytogenetic location: 3p21.31.
Variant type: single nucleotide variant.
Coding change: c.3595C>T on transcript NM_002292.4 (MANE Select); coding-DNA position 3595, C replaced by T.
Protein change: p.Arg1199Ter; replaces arginine 1199 with a stop codon.
Molecular consequence: nonsense.
Genome position (GRCh38, 1-based): chr3:49,123,930, G>A on the plus strand (C>T on the coding strand, the complement: LAMB2 is on the minus strand). VCF-style: chr3-49123930-G-A. GRCh37 (hg19) VCF-style: chr3-49161363-G-A.
Other names: short protein forms R1199*.
Identifiers: ClinVar variation 1323182 (VCV001323182.10), dbSNP rs754597019, ClinGen allele CA2394006.
Genomic context (GRCh38, chr3:49,123,930, plus strand): 5'-GCAACTCCTGCGCCCGCTGCTCTAGGCGCTGTGTACGGGCTGCCAAGTCCTGCACCACTC[G>A]GTCCCAATCCCCGAAGCATGCATGGCAGGGATGGCAGGCAGGAAAGATTCCTGAGAAGCC-3'

ClinVar aggregate classification (germline): Pathogenic. Review status: criteria provided, multiple submitters, no conflicts (2 of 4 stars). 3 submissions from 3 submitters: Pathogenic (3). Last evaluated 2023-08-04.

Conditions:
LAMB2-related disorder. Also called: LAMB2-related condition.
LAMB2-related infantile-onset nephrotic syndrome. Also called: NEPHROTIC SYNDROME, TYPE 5, WITHOUT OCULAR ABNORMALITIES; NEPHROTIC SYNDROME, TYPE 5, WITH OCULAR ABNORMALITIES; Nephrotic Syndrome, type 5. Identifiers: Orphanet 306507, MedGen C3280113, MONDO:0013621, OMIM 614199.
Pierson syndrome. Also called: MICROCORIA-CONGENITAL NEPHROTIC SYNDROME. Identifiers: Orphanet 2670, MedGen C1836876, MONDO:0012184, OMIM 609049.

Allele frequency attached by ClinVar (database versions not stated): TOPMed below 0.00001; gnomAD exomes 0.00001 and 0.00002; ExAC 0.00005.
gnomAD v4.1: 25 of 1,613,138 alleles (0.0015%); highest among the groups gnomAD compares: Non-Finnish European, 0.0019%; no homozygotes.

Submissions (3):

Labcorp Genetics (formerly Invitae), Labcorp
Classification: Pathogenic for LAMB2-related infantile-onset nephrotic syndrome; Pierson syndrome. Last evaluated: 2023-08-04. Review status: criteria provided, single submitter. Criteria: Invitae Variant Classification Sherloc (09022015). Collection method: clinical testing. Allele origin: germline.
Comment: This sequence change creates a premature translational stop signal (p.Arg1199*) in the LAMB2 gene. It is expected to result in an absent or disrupted protein product. Loss-of-function variants in LAMB2 are known to be pathogenic (PMID: 15367484). This variant is present in population databases (rs754597019, gnomAD 0.005%). This variant has not been reported in the literature in individuals affected with LAMB2-related conditions. ClinVar contains an entry for this variant (Variation ID: 1323182). For these reasons, this variant has been classified as Pathogenic.

PreventionGenetics, part of Exact Sciences
Classification: Pathogenic for LAMB2-related condition. Last evaluated: 2022-10-24. Review status: criteria provided, single submitter. Criteria: ACMG Guidelines, 2015. Collection method: clinical testing. Allele origin: germline.
Comment: The LAMB2 c.3595C>T variant is predicted to result in premature protein termination (p.Arg1199*). To our knowledge, this variant has not been reported in the literature. This variant is reported in 0.0047% of alleles in individuals of European (Finnish) descent in gnomAD. Nonsense variants in LAMB2 are expected to be pathogenic. This variant is interpreted as pathogenic.

Revvity Omics, Revvity
Classification: Pathogenic. Last evaluated: 2019-12-24. Review status: criteria provided, single submitter. Criteria: ACMG Guidelines, 2015. Collection method: clinical testing. Allele origin: germline.

Literature cited by the submitters: PubMed 15367484 (cited by Labcorp Genetics (formerly Invitae), Labcorp).